The following is an entry in ClinVar:

ClinVar aggregate classification (germline): Uncertain significance (1 of 4 stars; one submission).

Conditions:
Familial cold autoinflammatory syndrome 3 (FCAS3). Also called: ANTIBODY DEFICIENCY AND IMMUNE DYSREGULATION, PLCG2-ASSOCIATED; FAMILIAL ATYPICAL COLD URTICARIA. Identifiers: Orphanet 300359, MedGen C3280914, MONDO:0013766, OMIM 614468.

Submission:

Labcorp Genetics (formerly Invitae), Labcorp
Classification: Uncertain significance for Familial cold autoinflammatory syndrome 3. Last evaluated: 2022-03-28. Review status: criteria provided, single submitter. Criteria: Invitae Variant Classification Sherloc (09022015). Collection method: clinical testing. Allele origin: germline.
Comment: In summary, the available evidence is currently insufficient to determine the role of this variant in disease. Therefore, it has been classified as a Variant of Uncertain Significance. Experimental studies and prediction algorithms are not available or were not evaluated, and the functional significance of this variant is currently unknown. This variant has not been reported in the literature in individuals affected with PLCG2-related conditions. This variant results in a copy number gain of the genomic region encompassing exon(s) 14-33 of the PLCG2 gene. This region includes the termination codon of the gene. This copy number gain extends beyond the assayed region for this gene and therefore may encompass additional genes. As the precise location of this event is unknown, it may be in tandem or it may be located elsewhere in the genome.

NC_000016.9:g.(?_81934197)_(81991623_?)dup

Gene: PLCG2 (phospholipase C gamma 2; plus strand). Cytogenetic location: 16q23.3.
Variant type: Duplication.
Identifiers: ClinVar variation 1010853 (VCV001010853.6).